The following is an entry in ClinVar:

ClinVar aggregate classification (germline): Likely benign. Review status: criteria provided, multiple submitters, no conflicts (2 of 4 stars). 4 submissions from 4 submitters: Likely benign (4). Last evaluated 2026-08-01.

Conditions:
Christianson syndrome (MRXSCH). Also called: INTELLECTUAL DEVELOPMENTAL DISORDER, X-LINKED, SYNDROMIC, CHRISTIANSON TYPE; X-linked mental retardation, syndromic, Christianson type; SLC9A6-Related Syndromic Mental Retardation. Identifiers: Orphanet 85278, MedGen C2678194, MONDO:0010278, OMIM 300243.

Allele frequency attached by ClinVar (database versions not stated): gnomAD 0.00001; TOPMed 0.00002.

Submissions (4):

CeGaT Center for Human Genetics Tuebingen
Classification: Likely benign. Last evaluated: 2026-08-01. Review status: criteria provided, single submitter. Criteria: CeGaT Center For Human Genetics Tuebingen Variant Classification Criteria Version 2. Collection method: clinical testing. Allele origin: germline. Affected: yes. Observed: 2 variant alleles.
Comment: SLC9A6: BP4, BS2

Labcorp Genetics (formerly Invitae), Labcorp
Classification: Likely benign for Christianson syndrome. Last evaluated: 2025-02-24. Review status: criteria provided, single submitter. Criteria: Invitae Variant Classification Sherloc (09022015). Collection method: clinical testing. Allele origin: germline.

Blueprint Genetics
Classification: Likely benign. Last evaluated: 2022-06-03. Review status: criteria provided, single submitter. Criteria: ACMG Guidelines, 2015. Collection method: clinical testing. Allele origin: germline.

Breakthrough Genomics
Classification: Likely benign. Review status: criteria provided, single submitter. Criteria: ACMG Guidelines, 2015. Collection method: not provided. Allele origin: germline. Inheritance: X-linked inheritance. Affected: yes.

NM_001379110.1(SLC9A6):c.1081-8C>T

Gene: SLC9A6 (solute carrier family 9 member A6; plus strand). Cytogenetic location: Xq26.3.
Variant type: single nucleotide variant.
Coding change: c.1081-8C>T on transcript NM_001379110.1 (MANE Select); 8 bases into the intron before coding-DNA position 1081, C replaced by T.
Molecular consequence: intron variant.
Genome position (GRCh38, 1-based): chrX:136,016,637, C>T. VCF-style: chrX-136016637-C-T. GRCh37 (hg19) VCF-style: chrX-135098796-C-T.
Other names: c.1081-8C>T (NM_001177651.2); c.985-8C>T (NM_001330652.2); c.1237-8C>T (NM_001042537.2); c.1141-8C>T (NM_006359.3).
Identifiers: ClinVar variation 415899 (VCV000415899.36), dbSNP rs1060504684, ClinGen allele CA16616616.
Genomic context (GRCh38, chrX:136,016,637, plus strand): 5'-AGTAATACTCATGCTTTCAAATTATGTAACTTTATTTGCTGGACTAATCTTTTACAATTT[C>T]GTTTCAGTTGTTTGAGCTTCTCAATTTCTTGGCAGAGAATTTCATCTTCTCCTACATGGG-3'